The following is an entry in ClinVar:

Conditions:
Breast-ovarian cancer, familial, susceptibility to, 1 (BROVCA1). Also called: BRCA1 Hereditary Breast and Ovarian Cancer; OVARIAN CANCER, SUSCEPTIBILITY TO. Identifiers: Orphanet 145, MedGen C2676676, MONDO:0011450, OMIM 604370. Disease mechanism: loss of function.

Submission:

Brotman Baty Institute, University of Washington
No classification provided (evidence only). Condition: Breast-ovarian cancer, familial 1. Review status: no classification provided. Collection method: in vitro. Allele origin: not applicable. Functional consequence: functionally_normal.
ClinVar note: "not provided" was previously submitted as the classification for the variant. However, the classification appeared to be based only on an observation of functional data so it was converted to no classification on 2025-07-30.

NM_007294.4(BRCA1):c.4976C>A (p.Pro1659Gln)

Gene: BRCA1 (BRCA1 DNA repair associated; minus strand). Cytogenetic location: 17q21.31.
Variant type: single nucleotide variant.
Coding change: c.4976C>A on transcript NM_007294.4 (MANE Select); coding-DNA position 4976, C replaced by A.
Protein change: p.Pro1659Gln; replaces proline 1659 with glutamine.
Molecular consequence: missense variant. On other transcripts: non-coding transcript variant (1).
Genome position (GRCh38, 1-based): chr17:43,070,938, G>T on the plus strand (C>A on the coding strand, the complement: BRCA1 is on the minus strand). VCF-style: chr17-43070938-G-T. GRCh37 (hg19) VCF-style: chr17-41222955-G-T.
Other names: c.4763C>A, p.Pro1588Gln (NM_001407571.1, NM_001407897.1, NM_001407898.1 and 12 more transcripts); c.5042C>A, p.Pro1681Gln (NM_001407581.1, NM_001407582.1); c.5039C>A, p.Pro1680Gln (NM_001407583.1, NM_001407585.1, NM_001407587.1 and 1 more transcripts); c.5036C>A, p.Pro1679Gln (NM_001407590.1, NM_001407591.1); c.4976C>A, p.Pro1659Gln (NM_001407593.1, NM_001407594.1, NM_001407596.1 and 8 more transcripts); c.4973C>A, p.Pro1658Gln (NM_001407610.1, NM_001407611.1, NM_001407612.1 and 17 more transcripts); c.4970C>A, p.Pro1657Gln (NM_001407627.1, NM_001407628.1, NM_001407629.1 and 14 more transcripts); c.4964C>A, p.Pro1655Gln (NM_001407646.1); and 70 more; short protein forms P1612Q, P555Q, P1680Q, P1659Q, P1363Q, P1547Q, P1569Q, P1592Q.
Identifiers: ClinVar variation 865747 (VCV000865747.3), dbSNP rs2052357390, ClinGen allele CA10591575.